The following is an entry in ClinVar:

ClinVar aggregate classification (germline): Pathogenic (1 of 4 stars; one submission).

Conditions:
Hereditary cancer-predisposing syndrome. Also called: Hereditary Cancer Syndrome; Hereditary neoplastic syndrome; Neoplastic Syndromes, Hereditary; Tumor predisposition. Identifiers: Orphanet 140162, MedGen C0027672, MeSH D009386, MONDO:0015356.

Submission:

Ambry Genetics
Classification: Pathogenic for Hereditary cancer-predisposing syndrome. Last evaluated: 2025-08-15. Review status: criteria provided, single submitter. Criteria: Ambry Variant Classification Scheme 2023. Collection method: clinical testing. Allele origin: germline.
Comment: The c.2047delT pathogenic mutation, located in coding exon 10 of the BRCA2 gene, results from a deletion of one nucleotide at nucleotide position 2047, causing a translational frameshift with a predicted alternate stop codon (p.S683Lfs*47). This variant is considered to be rare based on population cohorts in the Genome Aggregation Database (gnomAD). This alteration is expected to result in loss of function by premature protein truncation or nonsense-mediated mRNA decay. As such, this alteration is interpreted as a disease-causing mutation.

NM_000059.4(BRCA2):c.2047del (p.Ser683fs)

Gene: BRCA2 (BRCA2 DNA repair associated; plus strand). Cytogenetic location: 13q13.1.
Variant type: Deletion.
Coding change: c.2047del on transcript NM_000059.4 (MANE Select); coding-DNA position 2047, one base deleted (T; older notation c.2047delT).
Protein change: p.Ser683fs; shifts the reading frame from serine 683.
Molecular consequence: frameshift variant. On other transcripts: non-coding transcript variant (1), intron variant (2).
Genome position (GRCh38, 1-based): chr13:32,336,402, T deleted. VCF-style (leftmost placement, unchanged base first): chr13-32336401-CT-C. GRCh37 (hg19) VCF-style: chr13-32910538-CT-C.
Other names: c.2047del, p.Ser683fs (NM_001406719.1, NM_001406720.1, NM_001432077.1); c.1909+3015del (NM_001406721.1); c.424+5372del (NM_001406722.1); short protein forms S683fs.
Identifiers: ClinVar variation 4215897 (VCV004215897.1).